The following is an entry in ClinVar:

ClinVar aggregate classification (germline): Conflicting classifications of pathogenicity. Review status: criteria provided, conflicting classifications (1 of 4 stars). 3 submissions from 3 submitters: Uncertain significance (1); Benign (1); Likely benign (1). Last evaluated 2024-10-31.

Conditions:
Multiple endocrine neoplasia, type 1 (MEN1). Also called: MEA I; MEN I; WERMER SYNDROME; Endocrine adenomatosis multiple; MEN 1. Identifiers: Orphanet 652, MedGen C0025267, MeSH D018761, MONDO:0007540, OMIM 131100.

gnomAD v4.1: 1 of 1,613,848 alleles (0.000062%); no homozygotes.

Submissions (3):

Myriad Genetics, Inc.
Classification: Benign for Multiple endocrine neoplasia, type 1. Last evaluated: 2024-10-31. Review status: criteria provided, single submitter. Criteria: Myriad Autosomal Dominant, Autosomal Recessive and X-Linked Classification Criteria (2023). Collection method: clinical testing. Allele origin: unknown.
Comment: This variant is considered benign. This variant is a silent/synonymous amino acid change and it is not expected to impact splicing.

Labcorp Genetics (formerly Invitae), Labcorp
Classification: Likely benign for Multiple endocrine neoplasia, type 1. Last evaluated: 2023-11-27. Review status: criteria provided, single submitter. Criteria: Invitae Variant Classification Sherloc (09022015). Collection method: clinical testing. Allele origin: germline.

All of Us Research Program, National Institutes of Health
Classification: Uncertain significance for Multiple endocrine neoplasia, type 1. Last evaluated: 2023-04-03. Review status: criteria provided, single submitter. Criteria: ACMG Guidelines, 2015. Collection method: clinical testing. Allele origin: germline. Inheritance: Autosomal dominant inheritance. Observed: 1 variant allele, 1 heterozygote.
Comment: This variant is located in the MEN1 protein. To our knowledge, functional studies have not been reported for this variant. This variant has not been reported in individuals affected with MEN1-related disorders in the literature. This variant has not been identified in the general population by the Genome Aggregation Database (gnomAD). The available evidence is insufficient to determine the role of this variant in disease conclusively. Therefore, this variant is classified as a Variant of Uncertain Significance.

This study involves interpretation of variants in research participants for the purpose of population health screening. Participant phenotype was not available at the time of variant classification. Additional details can be found in publication PMID: 35346344, PMCID: PMC8962531

NM_001370259.2(MEN1):c.297C>T (p.Gly99=)

Gene: MEN1 (menin 1; minus strand). Cytogenetic location: 11q13.1.
Variant type: single nucleotide variant.
Coding change: c.297C>T on transcript NM_001370259.2 (MANE Select); coding-DNA position 297, C replaced by T.
Protein change: p.Gly99=; no amino-acid change (glycine 99 retained).
Molecular consequence: synonymous variant. On other transcripts: non-coding transcript variant (4).
Genome position (GRCh38, 1-based): chr11:64,809,813, G>A on the plus strand (C>T on the coding strand, the complement: MEN1 is on the minus strand). VCF-style: chr11-64809813-G-A. GRCh37 (hg19) VCF-style: chr11-64577285-G-A.
Other names: c.297C>T, p.Gly99= (NM_000244.4, NM_001370251.2, NM_001370260.2 and 20 more transcripts).
Identifiers: ClinVar variation 2761793 (VCV002761793.5), dbSNP rs1941992347, ClinGen allele CA475163564.